The following is an entry in ClinVar:

NM_005956.4(MTHFD1):c.616G>A (p.Val206Ile)

Gene: MTHFD1 (methylenetetrahydrofolate dehydrogenase, cyclohydrolase and formyltetrahydrofolate synthetase 1; plus strand). Cytogenetic location: 14q23.3.
Variant type: single nucleotide variant.
Coding change: c.616G>A on transcript NM_005956.4 (MANE Select); coding-DNA position 616, G replaced by A.
Protein change: p.Val206Ile; replaces valine 206 with isoleucine.
Molecular consequence: missense variant.
Genome position (GRCh38, 1-based): chr14:64,419,814, G>A. VCF-style: chr14-64419814-G-A. GRCh37 (hg19) VCF-style: chr14-64886532-G-A.
Other names: c.616G>A, p.Val206Ile (NM_001364837.1); short protein forms V206I.
Identifiers: ClinVar variation 2954869 (VCV002954869.1), dbSNP rs776085756, ClinGen allele CA7226001.

ClinVar aggregate classification (germline): Uncertain significance (1 of 4 stars; one submission).

Allele frequency attached by ClinVar (database versions not stated): ExAC 0.00002; TOPMed 0.00002; gnomAD 0.00003; gnomAD exomes 0.00004.

Submission:

Labcorp Genetics (formerly Invitae), Labcorp
Classification: Uncertain significance. Last evaluated: 2023-11-27. Review status: criteria provided, single submitter. Criteria: Invitae Variant Classification Sherloc (09022015). Collection method: clinical testing. Allele origin: germline.
Comment: This sequence change replaces valine, which is neutral and non-polar, with isoleucine, which is neutral and non-polar, at codon 206 of the MTHFD1 protein (p.Val206Ile). This variant is present in population databases (rs776085756, gnomAD 0.009%). This variant has not been reported in the literature in individuals affected with MTHFD1-related conditions. Algorithms developed to predict the effect of missense changes on protein structure and function output the following: SIFT: "Not Available"; PolyPhen-2: "Benign"; Align-GVGD: "Not Available". The isoleucine amino acid residue is found in multiple mammalian species, which suggests that this missense change does not adversely affect protein function. In summary, the available evidence is currently insufficient to determine the role of this variant in disease. Therefore, it has been classified as a Variant of Uncertain Significance.